The following is an entry in ClinVar:

NM_024596.5(MCPH1):c.233+2T>C

Gene: MCPH1 (microcephalin 1; plus strand). Cytogenetic location: 8p23.1.
Variant type: single nucleotide variant.
Coding change: c.233+2T>C on transcript NM_024596.5 (MANE Select); the canonical splice donor site of the intron after coding-DNA position 233, T replaced by C.
Molecular consequence: splice donor variant.
Genome position (GRCh38, 1-based): chr8:6,414,885, T>C. VCF-style: chr8-6414885-T-C. GRCh37 (hg19) VCF-style: chr8-6272406-T-C.
Other names: c.233+2T>C (NM_001322042.2, NM_001363980.2, NM_001363979.1 and 4 more transcripts); c.227+2T>C (NM_001322043.2); c.131+2T>C (NM_001322045.2).
Identifiers: ClinVar variation 2994733 (VCV002994733.3), dbSNP rs866595729, ClinGen allele CA171364916.

ClinVar aggregate classification (germline): Likely pathogenic (1 of 4 stars; one submission).

Allele frequency attached by ClinVar (database versions not stated): gnomAD exomes below 0.00001; gnomAD 0.00001; TOPMed 0.00002.
gnomAD v4.1: 2 of 1,613,060 alleles (0.00012%); highest among the groups gnomAD compares: African/African-American, 0.0027%; no homozygotes.

Submission:

Labcorp Genetics (formerly Invitae), Labcorp
Classification: Likely pathogenic. Last evaluated: 2023-06-15. Review status: criteria provided, single submitter. Criteria: Invitae Variant Classification Sherloc (09022015). Collection method: clinical testing. Allele origin: germline.
Comment: In summary, the currently available evidence indicates that the variant is pathogenic, but additional data are needed to prove that conclusively. Therefore, this variant has been classified as Likely Pathogenic. Algorithms developed to predict the effect of sequence changes on RNA splicing suggest that this variant may disrupt the consensus splice site. This variant has not been reported in the literature in individuals affected with MCPH1-related conditions. This variant is not present in population databases (gnomAD no frequency). This sequence change affects a donor splice site in intron 3 of the MCPH1 gene. It is expected to disrupt RNA splicing. Variants that disrupt the donor or acceptor splice site typically lead to a loss of protein function (PMID: 16199547), and loss-of-function variants in MCPH1 are known to be pathogenic (PMID: 20978018).

Literature cited by the submitters: PubMed 16199547; PubMed 20978018.